The following is an entry in ClinVar:

NM_001163809.2(WDR81):c.3709G>A (p.Gly1237Ser)

Gene: WDR81 (WD repeat domain 81; plus strand). Cytogenetic location: 17p13.3.
Variant type: single nucleotide variant.
Coding change: c.3709G>A on transcript NM_001163809.2 (MANE Select); coding-DNA position 3709, G replaced by A.
Protein change: p.Gly1237Ser; replaces glycine 1237 with serine.
Molecular consequence: missense variant.
Genome position (GRCh38, 1-based): chr17:1,730,421, G>A. VCF-style: chr17-1730421-G-A. GRCh37 (hg19) VCF-style: chr17-1633715-G-A.
Other names: c.100G>A, p.Gly34Ser (NM_001163673.2); c.28G>A, p.Gly10Ser (NM_001163811.2); c.556G>A, p.Gly186Ser (NM_152348.4); short protein forms G10S, G186S, G1237S, G34S.
Identifiers: ClinVar variation 3332955 (VCV003332955.2).

ClinVar aggregate classification (germline): Uncertain significance. Review status: criteria provided, multiple submitters, no conflicts (2 of 4 stars). 2 submissions from 2 submitters: Uncertain significance (2). Last evaluated 2024-05-23.

Conditions:
Inborn genetic diseases. Identifiers: MedGen C0950123, MeSH D030342.

gnomAD v4.1: 23 of 1,613,040 alleles (0.0014%); highest among the groups gnomAD compares: Middle Eastern, 0.016%; no homozygotes.

Submissions (2):

Ambry Genetics
Classification: Uncertain significance for Inborn genetic diseases. Last evaluated: 2024-05-23. Review status: criteria provided, single submitter. Criteria: Ambry Variant Classification Scheme 2023. Collection method: clinical testing. Allele origin: germline.

GeneDx
Classification: Uncertain significance. Last evaluated: 2024-04-13. Review status: criteria provided, single submitter. Criteria: GeneDx Variant Classification Process June 2021. Collection method: clinical testing. Allele origin: germline. Affected: yes.
Comment: Not observed at significant frequency in large population cohorts (gnomAD); In silico analysis supports that this missense variant has a deleterious effect on protein structure/function; Has not been previously published as pathogenic or benign to our knowledge